The following is an entry in ClinVar:

NM_025081.3(NYNRIN):c.3589G>A (p.Glu1197Lys)

Gene: NYNRIN (NYN domain and retroviral integrase containing; plus strand). Cytogenetic location: 14q12.
Variant type: single nucleotide variant.
Coding change: c.3589G>A on transcript NM_025081.3 (MANE Select); coding-DNA position 3589, G replaced by A.
Protein change: p.Glu1197Lys; replaces glutamic acid 1197 with lysine.
Molecular consequence: missense variant.
Genome position (GRCh38, 1-based): chr14:24,415,338, G>A. VCF-style: chr14-24415338-G-A. GRCh37 (hg19) VCF-style: chr14-24884544-G-A.
Other names: short protein forms E1197K.
Identifiers: ClinVar variation 2707920 (VCV002707920.3), dbSNP rs2502392799, ClinGen allele CA389303281.

ClinVar aggregate classification (germline): Uncertain significance (1 of 4 stars; one submission).

gnomAD v4.1: 2 of 1,613,974 alleles (0.00012%); highest among the groups gnomAD compares: Non-Finnish European, 0.00017%; no homozygotes.

Submission:

Labcorp Genetics (formerly Invitae), Labcorp
Classification: Uncertain significance. Last evaluated: 2024-01-06. Review status: criteria provided, single submitter. Criteria: Invitae Variant Classification Sherloc (09022015). Collection method: clinical testing. Allele origin: germline.
Comment: This sequence change replaces glutamic acid, which is acidic and polar, with lysine, which is basic and polar, at codon 1197 of the NYNRIN protein (p.Glu1197Lys). This variant is not present in population databases (gnomAD no frequency). This variant has not been reported in the literature in individuals affected with NYNRIN-related conditions. Experimental studies and prediction algorithms are not available or were not evaluated, and the functional significance of this variant is currently unknown. In summary, the available evidence is currently insufficient to determine the role of this variant in disease. Therefore, it has been classified as a Variant of Uncertain Significance.